The following is an entry in ClinVar:

NM_018089.3(ANKZF1):c.715C>A (p.Arg239=)

Gene: ANKZF1 (ankyrin repeat and zinc finger peptidyl tRNA hydrolase 1; plus strand). Cytogenetic location: 2q35.
Variant type: single nucleotide variant.
Coding change: c.715C>A on transcript NM_018089.3 (MANE Select); coding-DNA position 715, C replaced by A.
Protein change: p.Arg239=; no amino-acid change (arginine 239 retained).
Molecular consequence: synonymous variant.
Genome position (GRCh38, 1-based): chr2:219,233,329, C>A. VCF-style: chr2-219233329-C-A. GRCh37 (hg19) VCF-style: chr2-220098051-C-A.
Other names: c.715C>A, p.Arg239= (NM_001042410.2); c.85C>A, p.Arg29= (NM_001282792.2).
Identifiers: ClinVar variation 4697740 (VCV004697740.1).

ClinVar aggregate classification (germline): Uncertain significance (1 of 4 stars; one submission).

gnomAD v4.1: 6 of 1,614,244 alleles (0.00037%); highest among the groups gnomAD compares: Non-Finnish European, 0.00051%; no homozygotes.

Submission:

Labcorp Genetics (formerly Invitae), Labcorp
Classification: Uncertain significance. Last evaluated: 2025-05-13. Review status: criteria provided, single submitter. Criteria: Invitae Variant Classification Sherloc (09022015). Collection method: clinical testing. Allele origin: germline.
Comment: This sequence change affects codon 239 of the ANKZF1 mRNA. It is a 'silent' change, meaning that it does not change the encoded amino acid sequence of the ANKZF1 protein. This variant is present in population databases (no rsID available, gnomAD 0.0009%). This variant has not been reported in the literature in individuals affected with ANKZF1-related conditions. Algorithms developed to predict the effect of sequence changes on RNA splicing suggest that this variant may disrupt the consensus splice site. In summary, the available evidence is currently insufficient to determine the role of this variant in disease. Therefore, it has been classified as a Variant of Uncertain Significance.